The following is an entry in ClinVar:

ClinVar aggregate classification (germline): Uncertain significance. Review status: criteria provided, multiple submitters, no conflicts (2 of 4 stars). 2 submissions from 2 submitters: Uncertain significance (2). Last evaluated 2025-01-13.

Conditions:
Hereditary cancer-predisposing syndrome. Also called: Hereditary neoplastic syndrome; Neoplastic Syndromes, Hereditary; Tumor predisposition; Hereditary Cancer Syndrome. Identifiers: Orphanet 140162, MedGen C0027672, MeSH D009386, MONDO:0015356.
Fanconi anemia complementation group J. Also called: BRIP1-Related Fanconi Anemia. Identifiers: Orphanet 84, MedGen C1836860, MONDO:0012187, OMIM 609054.
Familial cancer of breast. Also called: BREAST CANCER, FAMILIAL; Hereditary breast cancer; hereditary breast carcinoma. Identifiers: Orphanet 227535, MedGen C0346153, MONDO:0016419, OMIM 114480. Disease mechanism: loss of function.

Allele frequency attached by ClinVar (database versions not stated): TOPMed below 0.00001.
gnomAD v4.1: 1 of 1,613,792 alleles (0.000062%); no homozygotes.

Submissions (2):

Ambry Genetics
Classification: Uncertain significance for Hereditary cancer-predisposing syndrome. Last evaluated: 2025-01-13. Review status: criteria provided, single submitter. Criteria: Ambry Variant Classification Scheme 2023. Collection method: clinical testing. Allele origin: germline.
Comment: The p.V288A variant (also known as c.863T>C), located in coding exon 6 of the BRIP1 gene, results from a T to C substitution at nucleotide position 863. The valine at codon 288 is replaced by alanine, an amino acid with similar properties. This amino acid position is conserved. In addition, this alteration is predicted to be tolerated by in silico analysis. Based on the available evidence, the clinical significance of this variant remains unclear.

Labcorp Genetics (formerly Invitae), Labcorp
Classification: Uncertain significance for Familial cancer of breast; Fanconi anemia complementation group J. Last evaluated: 2024-07-28. Review status: criteria provided, single submitter. Criteria: Invitae Variant Classification Sherloc (09022015). Collection method: clinical testing. Allele origin: germline.
Comment: This sequence change replaces valine, which is neutral and non-polar, with alanine, which is neutral and non-polar, at codon 288 of the BRIP1 protein (p.Val288Ala). This variant is not present in population databases (gnomAD no frequency). This variant has not been reported in the literature in individuals affected with BRIP1-related conditions. ClinVar contains an entry for this variant (Variation ID: 1046164). Advanced modeling of protein sequence and biophysical properties (such as structural, functional, and spatial information, amino acid conservation, physicochemical variation, residue mobility, and thermodynamic stability) performed at Invitae indicates that this missense variant is not expected to disrupt BRIP1 protein function with a negative predictive value of 80%. In summary, the available evidence is currently insufficient to determine the role of this variant in disease. Therefore, it has been classified as a Variant of Uncertain Significance.

NM_032043.3(BRIP1):c.863T>C (p.Val288Ala)

Gene: BRIP1 (BRCA1 interacting DNA helicase 1; minus strand). Cytogenetic location: 17q23.2.
Variant type: single nucleotide variant.
Coding change: c.863T>C on transcript NM_032043.3 (MANE Select); coding-DNA position 863, T replaced by C.
Protein change: p.Val288Ala; replaces valine 288 with alanine.
Molecular consequence: missense variant.
Genome position (GRCh38, 1-based): chr17:61,808,522, A>G on the plus strand (T>C on the coding strand, the complement: BRIP1 is on the minus strand). VCF-style: chr17-61808522-A-G. GRCh37 (hg19) VCF-style: chr17-59885883-A-G.
Other names: c.863T>C (NM_032043.2); short protein forms V288A.
Identifiers: ClinVar variation 1046164 (VCV001046164.12), dbSNP rs1375475281, ClinGen allele CA400484753.
Genomic context (GRCh38, chr17:61,808,522, plus strand): 5'-CTCACGTTTTTCCCATCTAGCAATTCCATGCACTTCTCATTTCTGTTGAAGTTACCGACT[A>G]CCTCAGGATGGACACAAGTATGATCCCTGCTGGAAAGAATAGTCATTGGAACCCCTGAAT-3'
Protein context (NP_114432.2, residues 278-298): SRDHTCVHPE[Val288Ala]VGNFNRNEKC